The following is an entry in ClinVar:

NM_001048174.2(MUTYH):c.1405T>C (p.Tyr469His)

Gene: MUTYH (mutY DNA glycosylase; minus strand). Cytogenetic location: 1p34.1.
Variant type: single nucleotide variant.
Coding change: c.1405T>C on transcript NM_001048174.2 (MANE Select); coding-DNA position 1405, T replaced by C.
Protein change: p.Tyr469His; replaces tyrosine 469 with histidine.
Molecular consequence: missense variant. On other transcripts: non-coding transcript variant (7).
Genome position (GRCh38, 1-based): chr1:45,330,545, A>G on the plus strand (T>C on the coding strand, the complement: MUTYH is on the minus strand). VCF-style: chr1-45330545-A-G. GRCh37 (hg19) VCF-style: chr1-45796217-A-G.
Other names: c.1405T>C, p.Tyr469His (NM_001048171.2, NM_001048173.2, NM_001293195.2 and 6 more transcripts); c.1408T>C, p.Tyr470His (NM_001048172.2, NM_001407071.1, NM_001407078.1 and 1 more transcripts); c.1489T>C, p.Tyr497His (NM_001128425.2); c.1450T>C, p.Tyr484His (NM_001293190.2); c.1438T>C, p.Tyr480His (NM_001293191.2, NM_001407069.1, NM_001407077.1); c.1129T>C, p.Tyr377His (NM_001293192.2, NM_001293196.2, NM_001407091.1); c.1060T>C, p.Tyr354His (NM_001350650.2, NM_001350651.2, NM_001407082.1); c.1321T>C, p.Tyr441His (NM_001407075.1); and 5 more; short protein forms Y470H, Y480H, Y484H, Y497H, Y354H, Y377H, Y455H, Y456H.
Identifiers: ClinVar variation 4112832 (VCV004112832.1).

ClinVar aggregate classification (germline): Uncertain significance (1 of 4 stars; one submission).

Conditions:
Hereditary cancer-predisposing syndrome. Also called: Tumor predisposition; Neoplastic Syndromes, Hereditary; Hereditary neoplastic syndrome; Hereditary Cancer Syndrome. Identifiers: Orphanet 140162, MedGen C0027672, MeSH D009386, MONDO:0015356.

Submission:

Ambry Genetics
Classification: Uncertain significance for Hereditary cancer-predisposing syndrome. Last evaluated: 2025-08-27. Review status: criteria provided, single submitter. Criteria: Ambry Variant Classification Scheme 2023. Collection method: clinical testing. Allele origin: germline.
Comment: The p.Y497H variant (also known as c.1489T>C), located in coding exon 15 of the MUTYH gene, results from a T to C substitution at nucleotide position 1489. The tyrosine at codon 497 is replaced by histidine, an amino acid with similar properties. This amino acid position is conserved. In addition, the in silico prediction for this alteration is inconclusive. Based on the available evidence, the clinical significance of this variant remains unclear.